The following is an entry in ClinVar:

NM_024494.3(WNT2B):c.856G>A (p.Ala286Thr)

Gene: WNT2B (Wnt family member 2B; plus strand). Cytogenetic location: 1p13.2.
Variant type: single nucleotide variant.
Coding change: c.856G>A on transcript NM_024494.3 (MANE Select); coding-DNA position 856, G replaced by A.
Protein change: p.Ala286Thr; replaces alanine 286 with threonine.
Molecular consequence: missense variant.
Genome position (GRCh38, 1-based): chr1:112,517,295, G>A. VCF-style: chr1-112517295-G-A. GRCh37 (hg19) VCF-style: chr1-113059917-G-A.
Other names: c.580G>A, p.Ala194Thr (NM_001291880.1); c.799G>A, p.Ala267Thr (NM_004185.4); c.856G>A (NM_024494.2); short protein forms A194T, A267T, A286T.
Identifiers: ClinVar variation 1969590 (VCV001969590.3), dbSNP rs150246330, ClinGen allele CA1008369.

ClinVar aggregate classification (germline): Uncertain significance. Review status: criteria provided, multiple submitters, no conflicts (2 of 4 stars). 2 submissions from 2 submitters: Uncertain significance (2). Last evaluated 2025-05-28.

Allele frequency attached by ClinVar (database versions not stated): gnomAD exomes 0.00002; gnomAD 0.00003; TOPMed 0.00003; ESP Exome Variant Server 0.00008.
gnomAD v4.1: 38 of 1,614,056 alleles (0.0024%); highest among the groups gnomAD compares: Middle Eastern, 0.13%; no homozygotes.

Submissions (2):

Ambry Genetics
Classification: Uncertain significance. Last evaluated: 2025-05-28. Review status: criteria provided, single submitter. Criteria: Ambry Variant Classification Scheme 2023. Collection method: clinical testing. Allele origin: germline.

Labcorp Genetics (formerly Invitae), Labcorp
Classification: Uncertain significance. Last evaluated: 2022-03-13. Review status: criteria provided, single submitter. Criteria: Invitae Variant Classification Sherloc (09022015). Collection method: clinical testing. Allele origin: germline.
Comment: This sequence change replaces alanine, which is neutral and non-polar, with threonine, which is neutral and polar, at codon 286 of the WNT2B protein (p.Ala286Thr). This variant is present in population databases (rs150246330, gnomAD 0.005%). This variant has not been reported in the literature in individuals affected with WNT2B-related conditions. Algorithms developed to predict the effect of missense changes on protein structure and function (SIFT, PolyPhen-2, Align-GVGD) all suggest that this variant is likely to be tolerated. In summary, the available evidence is currently insufficient to determine the role of this variant in disease. Therefore, it has been classified as a Variant of Uncertain Significance.